The following is an entry in ClinVar:

NM_001556.3(IKBKB):c.2027T>G (p.Met676Arg)

Gene: IKBKB (inhibitor of nuclear factor kappa B kinase subunit beta; plus strand). Cytogenetic location: 8p11.21.
Variant type: single nucleotide variant.
Coding change: c.2027T>G on transcript NM_001556.3 (MANE Select); coding-DNA position 2027, T replaced by G.
Protein change: p.Met676Arg; replaces methionine 676 with arginine.
Molecular consequence: missense variant. On other transcripts: non-coding transcript variant (3).
Genome position (GRCh38, 1-based): chr8:42,326,010, T>G. VCF-style: chr8-42326010-T-G. GRCh37 (hg19) VCF-style: chr8-42183528-T-G.
Other names: c.1835T>G, p.Met612Arg (NM_001190720.3); c.1850T>G, p.Met617Arg (NM_001242778.2); short protein forms M612R, M617R, M676R.
Identifiers: ClinVar variation 2632654 (VCV002632654.1), dbSNP rs2487778351, ClinGen allele CA371093772.

ClinVar aggregate classification (germline): Uncertain significance (1 of 4 stars; one submission).

Conditions:
IKBKB-related disorder. Also called: IKBKB-related condition.

gnomAD v4.1: 1 of 1,614,216 alleles (0.000062%); highest among the groups gnomAD compares: Middle Eastern, 0.016%; no homozygotes.

Submission:

PreventionGenetics, part of Exact Sciences
Classification: Uncertain significance for IKBKB-related condition. Last evaluated: 2023-06-27. Review status: criteria provided, single submitter. Criteria: ACMG Guidelines, 2015. Collection method: clinical testing. Allele origin: germline.
Comment: The IKBKB c.2027T>G variant is predicted to result in the amino acid substitution p.Met676Arg. To our knowledge, this variant has not been reported in the literature or in a large population database, indicating this variant is rare. At this time, the clinical significance of this variant is uncertain due to the absence of conclusive functional and genetic evidence.